The following is an entry in ClinVar:

NM_020832.3(ZNF687):c.3236G>C (p.Arg1079Pro)

Gene: ZNF687 (zinc finger protein 687; plus strand). Cytogenetic location: 1q21.3.
Variant type: single nucleotide variant.
Coding change: c.3236G>C on transcript NM_020832.3 (MANE Select); coding-DNA position 3236, G replaced by C.
Protein change: p.Arg1079Pro; replaces arginine 1079 with proline.
Molecular consequence: missense variant.
Genome position (GRCh38, 1-based): chr1:151,290,731, G>C. VCF-style: chr1-151290731-G-C. GRCh37 (hg19) VCF-style: chr1-151263207-G-C.
Other names: c.3236G>C, p.Arg1079Pro (NM_001304763.2, NM_001304764.2); c.3236G>C (NM_020832.1); short protein forms R1079P.
Identifiers: ClinVar variation 3623625 (VCV003623625.3).

ClinVar aggregate classification (germline): Uncertain significance. Review status: criteria provided, multiple submitters, no conflicts (2 of 4 stars). 2 submissions from 2 submitters: Uncertain significance (2). Last evaluated 2025-06-03.

gnomAD v4.1: 3 of 1,604,100 alleles (0.00019%); highest among the groups gnomAD compares: Non-Finnish European, 0.00026%; no homozygotes.

Submissions (2):

Ambry Genetics
Classification: Uncertain significance. Last evaluated: 2025-06-03. Review status: criteria provided, single submitter. Criteria: Ambry Variant Classification Scheme 2023. Collection method: clinical testing. Allele origin: germline.

Labcorp Genetics (formerly Invitae), Labcorp
Classification: Uncertain significance. Last evaluated: 2024-07-24. Review status: criteria provided, single submitter. Criteria: Invitae Variant Classification Sherloc (09022015). Collection method: clinical testing. Allele origin: germline.
Comment: This sequence change replaces arginine, which is basic and polar, with proline, which is neutral and non-polar, at codon 1079 of the ZNF687 protein (p.Arg1079Pro). This variant is not present in population databases (gnomAD no frequency). This variant has not been reported in the literature in individuals affected with ZNF687-related conditions. An algorithm developed to predict the effect of missense changes on protein structure and function (PolyPhen-2) suggests that this variant is likely to be disruptive. In summary, the available evidence is currently insufficient to determine the role of this variant in disease. Therefore, it has been classified as a Variant of Uncertain Significance.